The following is an entry in ClinVar:

NM_006734.4(HIVEP2):c.591G>A (p.Ala197=)

Gene: HIVEP2 (HIVEP zinc finger 2; minus strand). Cytogenetic location: 6q24.2.
Variant type: single nucleotide variant.
Coding change: c.591G>A on transcript NM_006734.4 (MANE Select); coding-DNA position 591, G replaced by A.
Protein change: p.Ala197=; no amino-acid change (alanine 197 retained).
Molecular consequence: synonymous variant.
Genome position (GRCh38, 1-based): chr6:142,774,148, C>T on the plus strand (G>A on the coding strand, the complement: HIVEP2 is on the minus strand). VCF-style: chr6-142774148-C-T. GRCh37 (hg19) VCF-style: chr6-143095285-C-T.
Identifiers: ClinVar variation 2183135 (VCV002183135.5), dbSNP rs377336482, ClinGen allele CA4028705.

ClinVar aggregate classification (germline): Benign/Likely benign. Review status: criteria provided, multiple submitters, no conflicts (2 of 4 stars). 2 submissions from 2 submitters: Benign (1); Likely benign (1). Last evaluated 2026-08-01.

Allele frequency attached by ClinVar (database versions not stated): gnomAD 0.00004; TOPMed 0.00008; ExAC 0.00009; ESP Exome Variant Server 0.00025.
gnomAD v4.1: 120 of 1,614,150 alleles (0.0074%); highest among the groups gnomAD compares: Middle Eastern, 0.082%; no homozygotes.

Submissions (2):

CeGaT Center for Human Genetics Tuebingen
Classification: Likely benign. Last evaluated: 2026-08-01. Review status: criteria provided, single submitter. Criteria: CeGaT Center For Human Genetics Tuebingen Variant Classification Criteria Version 2. Collection method: clinical testing. Allele origin: germline. Affected: yes. Observed: 1 variant allele.
Comment: HIVEP2: BP4, BP7

Labcorp Genetics (formerly Invitae), Labcorp
Classification: Benign. Last evaluated: 2025-09-17. Review status: criteria provided, single submitter. Criteria: Invitae Variant Classification Sherloc (09022015). Collection method: clinical testing. Allele origin: germline.